The following is an entry in ClinVar:

NM_001018005.2(TPM1):c.379A>G (p.Met127Val)

Gene: TPM1 (tropomyosin 1; plus strand). Cytogenetic location: 15q22.2.
Variant type: single nucleotide variant.
Coding change: c.379A>G on transcript NM_001018005.2 (MANE Select); coding-DNA position 379, A replaced by G.
Protein change: p.Met127Val; replaces methionine 127 with valine.
Molecular consequence: missense variant. On other transcripts: non-coding transcript variant (17).
Genome position (GRCh38, 1-based): chr15:63,059,567, A>G. VCF-style: chr15-63059567-A-G. GRCh37 (hg19) VCF-style: chr15-63351766-A-G.
Other names: c.505A>G, p.Met169Val (NM_001407323.1, NM_001407324.1, NM_001365778.1 and 1 more transcripts); c.379A>G, p.Met127Val (NM_001407325.1, NM_001407326.1, NM_001407327.1 and 20 more transcripts); c.271A>G, p.Met91Val (NM_001407344.1, NM_001330351.2, NM_001365780.1 and 9 more transcripts); short protein forms M127V, M169V, M91V.
Identifiers: ClinVar variation 2645424 (VCV002645424.24), dbSNP rs2542774446, ClinGen allele CA392721947.
Genomic context (GRCh38, chr15:63,059,567, plus strand): 5'-GCATTTGGGAAGTTCAGCTCTAAATCTTGGGTTTTCTTGCTTGTCTTTCTTTTCAGAGGC[A>G]TGAAAGTCATTGAGAGTCGAGCCCAAAAAGATGAAGAAAAAATGGAAATTCAGGAGATCC-3'
Protein context (NP_001018005.1, residues 117-137): EKAADESERG[Met127Val]KVIESRAQKD

ClinVar aggregate classification (germline): Uncertain significance (1 of 4 stars; one submission).

Submission:

CeGaT Center for Human Genetics Tuebingen
Classification: Uncertain significance. Last evaluated: 2023-08-01. Review status: criteria provided, single submitter. Criteria: CeGaT Center For Human Genetics Tuebingen Variant Classification Criteria Version 2. Collection method: clinical testing. Allele origin: germline. Affected: yes. Observed: 1 variant allele.
Comment: TPM1: PM2, PM5:Supporting